The following is an entry in ClinVar:

NM_003107.3(SOX4):c.335C>A (p.Ala112Glu)

Gene: SOX4 (SRY-box transcription factor 4; plus strand). Cytogenetic location: 6p22.3.
Variant type: single nucleotide variant.
Coding change: c.335C>A on transcript NM_003107.3 (MANE Select); coding-DNA position 335, C replaced by A.
Protein change: p.Ala112Glu; replaces alanine 112 with glutamic acid.
Molecular consequence: missense variant.
Genome position (GRCh38, 1-based): chr6:21,594,869, C>A. VCF-style: chr6-21594869-C-A. GRCh37 (hg19) VCF-style: chr6-21595100-C-A.
Other names: short protein forms A112E.
Identifiers: ClinVar variation 3254652 (VCV003254652.1), dbSNP rs2532639461.

ClinVar aggregate classification (germline): Likely pathogenic (1 of 4 stars; one submission).

Conditions:
Coffin-Siris syndrome 10. Also called: INTELLECTUAL DEVELOPMENTAL DISORDER WITH SPEECH DELAY AND DYSMORPHIC FACIES. Identifiers: MedGen C4760583, MONDO:0032791, OMIM 618506.

Submission:

Victorian Clinical Genetics Services, Murdoch Childrens Research Institute
Classification: Likely pathogenic for Coffin-Siris syndrome 10. Last evaluated: 2023-12-21. Review status: criteria provided, single submitter. Criteria: ACMG Guidelines, 2015. Collection method: clinical testing. Allele origin: germline. Inheritance: Autosomal dominant inheritance. Affected: yes.
Comment: Based on the classification scheme VCGS_Germline_v1.3.4, this variant is classified as Likely pathogenic. Following criteria are met: 0104 - Dominant negative is a suggested mechanism of disease in this gene and is associated with Coffin-Siris syndrome 10 (MIM#618506). Functional studies in transfected cells expressing both wild type and variant protein showed a significant reduction in wild type protein activity (PMID: 35232796). Other functional studies have suggested that loss of function may also be a mechanism of disease (PMID: 35232796). (I) 0107 - This gene is associated with autosomal dominant disease. (I) 0200 - Variant is predicted to result in a missense amino acid change from alanine to glutamic acid. (I) 0251 - This variant is heterozygous. (I) 0301 - Variant is absent from gnomAD (both v2 and v3). (SP) 0309 - An alternative amino acid change at the same position has been observed in gnomAD (v2) (1 heterozygote, 0 homozygotes). (I) 0501 - Missense variant consistently predicted to be damaging by multiple in silico tools or highly conserved with a major amino acid change. (SP) 0601 - Variant is located in the well-established functional high mobility group box domain (DECIPHER). Several missense variants at this position have been shown to reduce the activity of the protein or its ability to bind to DNA (PMIDs: 35232796, 30661772). (SP) 0703 - Other missense variants comparable to the one identified in this case have moderate previous evidence for pathogenicity. p.(Ala112Pro), p.(Ala112Val) and p.(Ala112Gly) have been observed in individuals with a neurodevelopmental syndrome. However, while p.(Ala112Pro) and p.(Ala112Val) have been classified as pathogenic or likely pathogenic, with p.(Ala112Pro) observed as de novo, p.(Ala112Gly) is classified as a VUS due to inconclusive functional evidence and being inherited from an unaffected parent (PMIDs: 35232796, 30661772). (SP) 0807 - This variant has no previous evidence of pathogenicity. (I) 0905 - No published segregation evidence has been identified for this variant. (I) 1007 - No published functional evidence has been identified for this variant. (SP) Legend: (SP) - Supporting pathogenic, (I) - Information, (SB) - Supporting benign

Literature cited by the submitters: PubMed 30661772; PubMed 35232796.